The following is an entry in ClinVar:

ClinVar aggregate classification (germline): Uncertain significance (1 of 4 stars; one submission).

Conditions:
MCHR1-related disorder. Also called: MCHR1-related condition.

Allele frequency attached by ClinVar (database versions not stated): gnomAD 0.00001.

Submission:

PreventionGenetics, part of Exact Sciences
Classification: Uncertain significance for MCHR1-related condition. Last evaluated: 2022-11-29. Review status: criteria provided, single submitter. Criteria: ACMG Guidelines, 2015. Collection method: clinical testing. Allele origin: germline.
Comment: The MCHR1 c.1237G>A variant is predicted to result in the amino acid substitution p.Asp413Asn. To our knowledge, this variant has not been reported in the literature or in a large population database, indicating this variant is rare. At this time, the clinical significance of this variant is uncertain due to the absence of conclusive functional and genetic evidence.

NM_005297.4(MCHR1):c.1030G>A (p.Asp344Asn)

Gene: MCHR1 (melanin concentrating hormone receptor 1; plus strand). Cytogenetic location: 22q13.2.
Variant type: single nucleotide variant.
Coding change: c.1030G>A on transcript NM_005297.4 (MANE Select); coding-DNA position 1030, G replaced by A.
Protein change: p.Asp344Asn; replaces aspartic acid 344 with asparagine.
Molecular consequence: missense variant.
Genome position (GRCh38, 1-based): chr22:40,681,896, G>A. VCF-style: chr22-40681896-G-A. GRCh37 (hg19) VCF-style: chr22-41077900-G-A.
Other names: short protein forms D344N.
Identifiers: ClinVar variation 2635718 (VCV002635718.1), dbSNP rs1409004434, ClinGen allele CA411661826.